The following is an entry in ClinVar:

ClinVar aggregate classification (germline): Likely pathogenic (1 of 4 stars; one submission).

Submission:

Greenwood Genetic Center Diagnostic Laboratories, Greenwood Genetic Center
Classification: Likely pathogenic. Last evaluated: 2021-01-29. Review status: criteria provided, single submitter. Criteria: ACMG Guidelines, 2015. Collection method: clinical testing. Allele origin: germline. Affected: yes.
Comment: PVS1, PM2

NM_001195553.2(DCX):c.799del (p.Asp267fs)

Gene: DCX (doublecortin; minus strand). Cytogenetic location: Xq23.
Variant type: Deletion.
Coding change: c.799del on transcript NM_001195553.2 (MANE Select); coding-DNA position 799, one base deleted (G; older notation c.799delG).
Protein change: p.Asp267fs; shifts the reading frame from aspartic acid 267.
Molecular consequence: frameshift variant.
Genome position (GRCh38, 1-based): chrX:111,333,060, C deleted on the plus strand (G on the coding strand, the reverse complement: DCX is on the minus strand); the first of 2 consecutive C bases (chrX:111,333,060-111,333,061); deleting either gives the same sequence. VCF-style (leftmost placement, unchanged base first): chrX-111333059-TC-T. GRCh37 (hg19) VCF-style: chrX-110576287-TC-T.
Other names: c.1042del, p.Asp348fs (NM_000555.3); c.799del, p.Asp267fs (NM_001369370.1, NM_001369371.1, NM_001369372.1 and 5 more transcripts); short protein forms D267fs, D348fs.
Identifiers: ClinVar variation 1331670 (VCV001331670.4), dbSNP rs2147635206, ClinGen allele CA2573055068.
Genomic context (GRCh38, chrX:111,333,059, plus strand): 5'-GGATAGAAGGGGAGAGAACAATGGAGCAATAAAACCCAGTGGTTATGCTTACCATTTTCA[TC>T]CAGAGAAAAATCATCCTGAGCATAGCGAAATTTTTCAGGACCACAGGCAATAAACACATC-3'